The following is an entry in ClinVar:

NM_001267550.2(TTN):c.63187+3A>C

Genes: TTN-AS1 (TTN antisense RNA 1; plus strand), TTN (titin; minus strand). Cytogenetic location: 2q31.2.
Variant type: single nucleotide variant.
Coding change: c.63187+3A>C on transcript NM_001267550.2 (MANE Select); 3 bases into the intron after coding-DNA position 63187, A replaced by C.
Molecular consequence: intron variant.
Genome position (GRCh38, 1-based): chr2:178,588,535, T>G on the plus strand (A>C on the coding strand, the complement: TTN is on the minus strand). VCF-style: chr2-178588535-T-G. GRCh37 (hg19) VCF-style: chr2-179453262-T-G.
Other names: c.35992+3A>C (NM_003319.4); c.36568+3A>C (NM_133437.4); c.36367+3A>C (NM_133432.3); c.55483+3A>C (NM_133378.4); c.58264+3A>C (NM_001256850.1).
Identifiers: ClinVar variation 1490926 (VCV001490926.11), dbSNP rs948908180, ClinGen allele CA60966335.
Genomic context (GRCh38, chr2:178,588,535, plus strand): 5'-CGAATACTTCTGTGCTTGAGATTAAGAGTTGCTGTAATATCAGAAAAAACAAGGACATCC[T>G]ACCTATGGGGTCTTTTGCCACCACCGGTCTTGAAGGCAAGCTTGGTTCTCCAATTCCAAT-3'

ClinVar aggregate classification (germline): Uncertain significance. Review status: criteria provided, multiple submitters, no conflicts (2 of 4 stars). 2 submissions from 2 submitters: Uncertain significance (2). Last evaluated 2024-06-24.

Conditions:
Dilated cardiomyopathy 1G (CMD1G). Identifiers: Orphanet 154, MedGen C1858763, MONDO:0011400, OMIM 604145.
Autosomal recessive limb-girdle muscular dystrophy type 2J (LGMDR10). Also called: Limb-girdle muscular dystrophy, type 2J; MUSCULAR DYSTROPHY, LIMB-GIRDLE, AUTOSOMAL RECESSIVE 10. Identifiers: Orphanet 140922, MedGen C1837342, MONDO:0012127, OMIM 608807.

Allele frequency attached by ClinVar (database versions not stated): gnomAD 0.00001; TOPMed 0.00001.
gnomAD v4.1: 1 of 1,515,582 alleles (0.000066%); highest among the groups gnomAD compares: African/African-American, 0.0014%; no homozygotes.

Submissions (2):

Labcorp Genetics (formerly Invitae), Labcorp
Classification: Uncertain significance for Dilated cardiomyopathy 1G; Autosomal recessive limb-girdle muscular dystrophy type 2J. Last evaluated: 2024-06-24. Review status: criteria provided, single submitter. Criteria: Invitae Variant Classification Sherloc (09022015). Collection method: clinical testing. Allele origin: germline.
Comment: This sequence change falls in intron 304 of the TTN gene. It does not directly change the encoded amino acid sequence of the TTN protein. It affects a nucleotide within the consensus splice site. This variant is not present in population databases (gnomAD no frequency). This variant has not been reported in the literature in individuals affected with TTN-related conditions. ClinVar contains an entry for this variant (Variation ID: 1490926). Variants that disrupt the consensus splice site are a relatively common cause of aberrant splicing (PMID: 17576681, 9536098). Algorithms developed to predict the effect of sequence changes on RNA splicing suggest that this variant may disrupt the consensus splice site. This variant is located in the A band of TTN (PMID: 25589632). Variants in this region may be relevant for cardiac or neuromuscular disorders (PMID: 25589632, 23975875). In summary, the available evidence is currently insufficient to determine the role of this variant in disease. Therefore, it has been classified as a Variant of Uncertain Significance.

Revvity Omics, Revvity
Classification: Uncertain significance. Last evaluated: 2019-06-06. Review status: criteria provided, single submitter. Criteria: ACMG Guidelines, 2015. Collection method: clinical testing. Allele origin: germline.

Literature cited by the submitters: PubMed 17576681 (cited by Labcorp Genetics (formerly Invitae), Labcorp); PubMed 9536098 (cited by Labcorp Genetics (formerly Invitae), Labcorp); PubMed 25589632 (cited by Labcorp Genetics (formerly Invitae), Labcorp); PubMed 23975875 (cited by Labcorp Genetics (formerly Invitae), Labcorp).